The following is an entry in ClinVar:

ClinVar aggregate classification (germline): Uncertain significance (1 of 4 stars; one submission).

Conditions:
Kabuki syndrome. Also called: NIIKAWA-KUROKI SYNDROME; Kabuki make-up syndrome. Identifiers: Orphanet 2322, MedGen C0796004, MONDO:0016512.

Submission:

Labcorp Genetics (formerly Invitae), Labcorp
Classification: Uncertain significance for Kabuki syndrome. Last evaluated: 2025-06-09. Review status: criteria provided, single submitter. Criteria: Invitae Variant Classification Sherloc (09022015). Collection method: clinical testing. Allele origin: germline.
Comment: This sequence change replaces aspartic acid, which is acidic and polar, with tyrosine, which is neutral and polar, at codon 1970 of the KMT2D protein (p.Asp1970Tyr). This variant is not present in population databases (gnomAD no frequency). This variant has not been reported in the literature in individuals affected with KMT2D-related conditions. ClinVar contains an entry for this variant (Variation ID: 2168321). Invitae Evidence Modeling of protein sequence and biophysical properties (such as structural, functional, and spatial information, amino acid conservation, physicochemical variation, residue mobility, and thermodynamic stability) indicates that this missense variant is not expected to disrupt KMT2D protein function with a negative predictive value of 95%. In summary, the available evidence is currently insufficient to determine the role of this variant in disease. Therefore, it has been classified as a Variant of Uncertain Significance.

NM_003482.4(KMT2D):c.5908G>T (p.Asp1970Tyr)

Gene: KMT2D (lysine methyltransferase 2D; minus strand). Cytogenetic location: 12q13.12.
Variant type: single nucleotide variant.
Coding change: c.5908G>T on transcript NM_003482.4 (MANE Select); coding-DNA position 5908, G replaced by T.
Protein change: p.Asp1970Tyr; replaces aspartic acid 1970 with tyrosine.
Molecular consequence: missense variant.
Genome position (GRCh38, 1-based): chr12:49,042,290, C>A on the plus strand (G>T on the coding strand, the complement: KMT2D is on the minus strand). VCF-style: chr12-49042290-C-A. GRCh37 (hg19) VCF-style: chr12-49436073-C-A.
Other names: short protein forms D1970Y.
Identifiers: ClinVar variation 2168321 (VCV002168321.4), dbSNP rs565881981, ClinGen allele CA384627597.